The following is an entry in ClinVar:

ClinVar aggregate classification (germline): Uncertain significance (1 of 4 stars; one submission).

Conditions:
Inborn genetic diseases. Identifiers: MedGen C0950123, MeSH D030342.

gnomAD v4.1: 2 of 1,614,228 alleles (0.00012%); highest among the groups gnomAD compares: Non-Finnish European, 0.00017%; no homozygotes.

Submission:

Ambry Genetics
Classification: Uncertain significance for Inborn genetic diseases. Last evaluated: 2019-12-18. Review status: criteria provided, single submitter. Criteria: Ambry Variant Classification Scheme 2023. Collection method: clinical testing. Allele origin: germline.
Comment: The p.H2533D variant (also known as c.7597C>G), located in coding exon 24 of the SETX gene, results from a C to G substitution at nucleotide position 7597. The histidine at codon 2533 is replaced by aspartic acid, an amino acid with similar properties. This amino acid position is poorly conserved in available vertebrate species. In addition, this alteration is predicted to be tolerated by in silico analysis. Since supporting evidence is limited at this time, the clinical significance of this alteration remains unclear.

NM_015046.7(SETX):c.7597C>G (p.His2533Asp)

Gene: SETX (senataxin; minus strand). Cytogenetic location: 9q34.13.
Variant type: single nucleotide variant.
Coding change: c.7597C>G on transcript NM_015046.7 (MANE Select); coding-DNA position 7597, C replaced by G.
Protein change: p.His2533Asp; replaces histidine 2533 with aspartic acid.
Molecular consequence: missense variant.
Genome position (GRCh38, 1-based): chr9:132,264,676, G>C on the plus strand (C>G on the coding strand, the complement: SETX is on the minus strand). VCF-style: chr9-132264676-G-C. GRCh37 (hg19) VCF-style: chr9-135140063-G-C.
Other names: c.7597C>G, p.His2533Asp (NM_001351527.2); c.7684C>G, p.His2562Asp (NM_001351528.2); short protein forms H2533D, H2562D.
Identifiers: ClinVar variation 1759673 (VCV001759673.2), dbSNP rs202121071, ClinGen allele CA375324448.